The following is an entry in ClinVar:

ClinVar aggregate classification (germline): Uncertain significance. Review status: criteria provided, multiple submitters, no conflicts (2 of 4 stars). 2 submissions from 2 submitters: Uncertain significance (2). Last evaluated 2026-08-05.

Conditions:
CREBBP-related disorder. Also called: CREBBP-related condition; CREBBP-related disorders.
Rubinstein-Taybi syndrome (RSTS). Identifiers: Orphanet 783, MedGen C0035934, MONDO:0019188.

Submissions (2):

PreventionGenetics, part of Exact Sciences
Classification: Uncertain significance for CREBBP-related condition. Last evaluated: 2026-08-05. Review status: criteria provided, single submitter. Criteria: ACMG Guidelines, 2015. Collection method: clinical testing. Allele origin: germline.
Comment: The CREBBP c.6361_6396del36 variant is predicted to result in an in-frame deletion (p.Leu2121_Gly2132del). To our knowledge, this variant has not been reported in the literature. This variant is reported in 0.0062% of alleles in individuals of African descent in gnomAD. At this time, the clinical significance of this variant is uncertain due to the absence of conclusive functional and genetic evidence.

Labcorp Genetics (formerly Invitae), Labcorp
Classification: Uncertain significance for Rubinstein-Taybi syndrome. Last evaluated: 2022-11-22. Review status: criteria provided, single submitter. Criteria: Invitae Variant Classification Sherloc (09022015). Collection method: clinical testing. Allele origin: germline.
Comment: This variant has not been reported in the literature in individuals affected with CREBBP-related conditions. This variant is present in population databases (rs761028983, gnomAD 0.007%). This variant, c.6361_6396del, results in the deletion of 12 amino acid(s) of the CREBBP protein (p.Leu2121_Gly2132del), but otherwise preserves the integrity of the reading frame. In summary, the available evidence is currently insufficient to determine the role of this variant in disease. Therefore, it has been classified as a Variant of Uncertain Significance. Experimental studies and prediction algorithms are not available or were not evaluated, and the functional significance of this variant is currently unknown.

NM_004380.3(CREBBP):c.6361_6396del (p.Leu2121_Gly2132del)

Gene: CREBBP (CREB binding lysine acetyltransferase; minus strand). Cytogenetic location: 16p13.3.
Variant type: Deletion.
Coding change: c.6361_6396del on transcript NM_004380.3 (MANE Select); coding-DNA positions 6361 to 6396, 36 bases deleted.
Protein change: p.Leu2121_Gly2132del.
Molecular consequence: inframe deletion.
Genome position (GRCh38, 1-based): chr16:3,728,651-3,728,686, 36 bases deleted; deleting any 36 consecutive bases within chr16:3,728,651-3,728,698 gives the same sequence; the c. name uses the placement nearest the transcript's 3' end. GRCh37 (hg19): chr16:3,778,664-3,778,699.
Other names: c.6247_6282del, p.Leu2083_Gly2094del (NM_001079846.1); c.6361_6396del36 (NM_004380.2).
Identifiers: ClinVar variation 2163224 (VCV002163224.6), dbSNP rs761028983, ClinGen allele CA7869122.